The following is an entry in ClinVar:

ClinVar aggregate classification (germline): Conflicting classifications of pathogenicity. Review status: criteria provided, conflicting classifications (1 of 4 stars). 6 submissions from 6 submitters: Uncertain significance (4); Benign (1); Likely benign (1). Last evaluated 2026-01-11.

Conditions:
Williams syndrome (WBS). Also called: WILLIAMS-BEUREN SYNDROME; CHROMOSOME 7q11.23 DELETION SYNDROME, 1.5- TO 1.8-MB. Identifiers: Orphanet 904, MedGen C0175702, MONDO:0008678, OMIM 194050. Disease mechanism: loss of function.
Supravalvar aortic stenosis (SVAS). Also called: Supravalvar aortic stenosis, Eisenberg type. Identifiers: Orphanet 3193, MedGen C0003499, MONDO:0008504, OMIM 185500, HP:0004381.
Cutis laxa, autosomal dominant. Also called: Cutis laxa, dominant type. Identifiers: Orphanet 90348, MedGen C0268350, MONDO:0019571.

Submissions (6):

Labcorp Genetics (formerly Invitae), Labcorp
Classification: Uncertain significance for Supravalvar aortic stenosis. Last evaluated: 2026-01-11. Review status: criteria provided, single submitter. Criteria: Invitae Variant Classification Sherloc (09022015). Collection method: clinical testing. Allele origin: germline.
Comment: This variant, c.1178_1201del, results in the deletion of 8 amino acid(s) of the ELN protein (p.Gly393_Gly400del), but otherwise preserves the integrity of the reading frame. This variant is present in population databases (rs781838239, gnomAD 0.06%), and has an allele count higher than expected for a pathogenic variant. This variant has been observed in individual(s) with supravalvular aortic stenosis or progeroid disease (PMID: 10942104, 31829210). This variant is also known as 1175–1198del and NM_ 001278913.1:c.1063_1086del. ClinVar contains an entry for this variant (Variation ID: 502265). Experimental studies and prediction algorithms are not available or were not evaluated, and the functional significance of this variant is currently unknown. In summary, the available evidence is currently insufficient to determine the role of this variant in disease. Therefore, it has been classified as a Variant of Uncertain Significance.

GeneDx
Classification: Uncertain significance. Last evaluated: 2025-07-21. Review status: criteria provided, single submitter. Criteria: GeneDx Variant Classification Process June 2021. Collection method: clinical testing. Allele origin: germline. Affected: yes.
Comment: Reported as c.1175_1198del (due to alternate nomenclature) in one individual with supravalvular aortic stenosis, inherited from an unaffected parent and present in compound heterozygous state with an ELN frameshift variant (PMID: 10942104); Identified in a cohort of patients with premature aging syndromes in published literature; referred to as c.1063_1086del due to alternate nomenclature (PMID: 31829210); In-frame deletion of 8 amino acids in a non-repeat region; In silico analysis supports a deleterious effect on protein structure/function; This variant is associated with the following publications: (PMID: 31829210, 10942104)

Blueprint Genetics
Classification: Likely benign. Last evaluated: 2024-11-19. Review status: criteria provided, single submitter. Criteria: ACMG Guidelines, 2015. Collection method: clinical testing. Allele origin: germline.

CeGaT Center for Human Genetics Tuebingen
Classification: Benign. Last evaluated: 2024-07-01. Review status: criteria provided, single submitter. Criteria: CeGaT Center For Human Genetics Tuebingen Variant Classification Criteria Version 2. Collection method: clinical testing. Allele origin: germline. Affected: yes. Observed: 3 variant alleles.
Comment: ELN: BS1, BS2

Baylor Genetics
Classification: Uncertain significance for Williams syndrome. Last evaluated: 2022-07-22. Review status: criteria provided, single submitter. Criteria: ACMG Guidelines, 2015. Collection method: clinical testing. Allele origin: unknown.

Eurofins Ntd Llc (ga)
Classification: Uncertain significance. Last evaluated: 2017-06-14. Review status: criteria provided, single submitter. Criteria: EGL Classification Definitions 2015. Collection method: clinical testing. Allele origin: germline. Observed: 2 variant alleles, 2 heterozygotes.

Literature cited by the submitters: PubMed 10942104 (cited by Labcorp Genetics (formerly Invitae), Labcorp); PubMed 31829210 (cited by Labcorp Genetics (formerly Invitae), Labcorp).

NM_000501.4(ELN):c.1178_1201del (p.Gly393_Gly400del)

Gene: ELN (elastin; plus strand). Cytogenetic location: 7q11.23.
Variant type: Deletion.
Coding change: c.1178_1201del on transcript NM_000501.4 (MANE Select); coding-DNA positions 1178 to 1201, 24 bases deleted (GCATTCCTACTTACGGGGTTGGAG).
Protein change: p.Gly393_Gly400del.
Molecular consequence: inframe deletion.
Genome position (GRCh38, 1-based): chr7:74,056,298-74,056,321, GCATTCCTACTTACGGGGTTGGAG deleted; deleting any 24 consecutive bases within chr7:74,056,291-74,056,321 gives the same sequence; the c. name uses the placement nearest the transcript's 3' end. VCF-style (leftmost placement, unchanged base first): chr7-74056290-AGTTGGAGGCATTCCTACTTACGGG-A. GRCh37 (hg19) VCF-style: chr7-73470620-AGTTGGAGGCATTCCTACTTACGGG-A.
Other names: c.1178_1201delGCATTCCTACTTACGGGGTTGGAG (NM_000501.2); c.1148_1171del, p.Gly383_Gly390del (NM_001081752.3, NM_001278917.2); c.1193_1216del, p.Gly398_Gly405del (NM_001081753.3, NM_001081754.3); c.1178_1201del, p.Gly393_Gly400del (NM_001081755.3, NM_001278912.2, NM_001278915.2 and 1 more transcripts); c.1070_1093del, p.Gly357_Gly364del (NM_001278913.2); c.1163_1186del, p.Gly388_Gly395del (NM_001278914.2); c.1136_1159del, p.Gly379_Gly386del (NM_001278916.2); c.1046_1069del, p.Gly349_Gly356del (NM_001278918.2).
Identifiers: ClinVar variation 502265 (VCV000502265.63), dbSNP rs781838239, ClinGen allele CA4292885.